The following is an entry in ClinVar:

NM_000238.4(KCNH2):c.3471G>A (p.Pro1157=)

Gene: KCNH2 (potassium voltage-gated channel subfamily H member 2; minus strand). Cytogenetic location: 7q36.1.
Variant type: single nucleotide variant.
Coding change: c.3471G>A on transcript NM_000238.4 (MANE Select); coding-DNA position 3471, G replaced by A.
Protein change: p.Pro1157=; no amino-acid change (proline 1157 retained).
Molecular consequence: synonymous variant.
Genome position (GRCh38, 1-based): chr7:150,945,374, C>T on the plus strand (G>A on the coding strand, the complement: KCNH2 is on the minus strand). VCF-style: chr7-150945374-C-T. GRCh37 (hg19) VCF-style: chr7-150642462-C-T.
Other names: c.2451G>A, p.Pro817= (NM_172057.3).
Identifiers: ClinVar variation 665237 (VCV000665237.13), dbSNP rs562609392, ClinGen allele CA039135.

ClinVar aggregate classification (germline): Likely benign. Review status: criteria provided, multiple submitters, no conflicts (2 of 4 stars). 5 submissions from 5 submitters: Likely benign (5). Last evaluated 2026-09-01.

Conditions:
Cardiovascular phenotype. Identifiers: MedGen CN230736.
Cardiac arrhythmia. Also called: Arrhythmia; Cardiac rhythm disease. Identifiers: MedGen C0003811, MONDO:0007263, HP:0011675.
Long QT syndrome (LQTS). Identifiers: MedGen C0023976, MeSH D008133, MONDO:0002442. Disease mechanism: loss of function. Inheritance: Various modes of inheritance.

Allele frequency attached by ClinVar (database versions not stated): gnomAD exomes 0.00001; TOPMed 0.00001; ExAC 0.00003; 1000 Genomes Project 30x 0.00016; 1000 Genomes Project 0.00020.
gnomAD v4.1: 13 of 1,586,794 alleles (0.00082%); highest among the groups gnomAD compares: South Asian, 0.0057%; no homozygotes.

Submissions (5):

CeGaT Center for Human Genetics Tuebingen
Classification: Likely benign. Last evaluated: 2026-09-01. Review status: criteria provided, single submitter. Criteria: CeGaT Center For Human Genetics Tuebingen Variant Classification Criteria Version 2. Collection method: clinical testing. Allele origin: germline. Affected: yes. Observed: 1 variant allele.
Comment: KCNH2: BP4, BP7

Labcorp Genetics (formerly Invitae), Labcorp
Classification: Likely benign for Long QT syndrome. Last evaluated: 2025-12-13. Review status: criteria provided, single submitter. Criteria: Invitae Variant Classification Sherloc (09022015). Collection method: clinical testing. Allele origin: germline.

Ambry Genetics
Classification: Likely benign for Cardiovascular phenotype. Last evaluated: 2025-09-18. Review status: criteria provided, single submitter. Criteria: Ambry Variant Classification Scheme 2023. Collection method: clinical testing. Allele origin: germline.

Blueprint Genetics
Classification: Likely benign. Last evaluated: 2024-06-28. Review status: criteria provided, single submitter. Criteria: ACMG Guidelines, 2015. Collection method: clinical testing. Allele origin: germline.

Color Diagnostics, LLC DBA Color Health
Classification: Likely benign for Cardiac arrhythmia. Last evaluated: 2022-11-02. Review status: criteria provided, single submitter. Criteria: ACMG Guidelines, 2015. Collection method: clinical testing. Allele origin: germline.